The following is an entry in ClinVar:

NM_001034853.2(RPGR):c.1245+3A>G

Gene: RPGR (retinitis pigmentosa GTPase regulator; minus strand). Cytogenetic location: Xp11.4.
Variant type: single nucleotide variant.
Coding change: c.1245+3A>G on transcript NM_001034853.2 (MANE Select); 3 bases into the intron after coding-DNA position 1245, A replaced by G.
Molecular consequence: intron variant.
Genome position (GRCh38, 1-based): chrX:38,298,953, T>C on the plus strand (A>G on the coding strand, the complement: RPGR is on the minus strand). VCF-style: chrX-38298953-T-C. GRCh37 (hg19) VCF-style: chrX-38158206-T-C.
Other names: IVS10DS, A-G, +3; c.1242+3A>G (NM_001367249.1, NM_001367250.1, NM_001367245.1); c.1060-1501A>G (NM_001367251.1, NM_001367246.1); c.1245+3A>G (NM_001367247.1, NM_000328.3); c.1275+3A>G (NM_001367248.1).
Identifiers: ClinVar variation 98732 (VCV000098732.8), dbSNP rs62635002, ClinGen allele CA226348.

ClinVar aggregate classification (germline): Pathogenic. Review status: reviewed by expert panel (3 of 4 stars). 5 submissions from 5 submitters: Pathogenic (1). 4 of the submissions do not count toward it. Last evaluated 2025-05-20.

Conditions:
RPGR-related retinopathy. Also called: RPGR retinopathy. Identifiers: MedGen CN305589, MONDO:0100437.
Retinitis pigmentosa 3. Also called: CHOROIDORETINAL DEGENERATION WITH RETINAL REFLEX IN HETEROZYGOUS WOMEN. Identifiers: Orphanet 791, MedGen C1845667, MONDO:0010227, OMIM 300029.
RPGR-related disorder. Also called: RPGR-related condition.
Primary ciliary dyskinesia. Also called: Ciliary dyskinesia. Identifiers: Orphanet 244, MedGen C0008780, MONDO:0016575, HP:0012265.

Submissions (5):

ClinGen X-linked Inherited Retinal Disease Variant Curation Expert Panel, ClinGen
Classification: Pathogenic for RPGR-related retinopathy. Last evaluated: 2025-05-20. Review status: reviewed by expert panel. Criteria: ClinGen X LinkedIRD ACMG Specifications RPGR V1.0.0. Collection method: curation. Allele origin: germline. Inheritance: X-linked inheritance.
Comment: NM_001034853.2(RPGR):c.1245+3A>G is an intronic variant near the boundary of intron 10 and exon 10 of RPGR. This variant is absent from hemizygous individuals in gnomAD v4.1.0 (PM2_Supporting). At least one proband harboring this variant exhibits a phenotype including childhood onset, undetectable dark-adapted electroretinogram, a family history consistent with X-linked inheritance, delayed or milder onset in females, pigmentary deposits in the retina, and night blindness, which together are specific for RPGR-related retinopathy (4 points, PMID: 21326217, PP4). A second proband has met the PS4 requirement of some functional vision impairment in affected males by age 30, with decreased or absent cone and/or rod ERG responses (PMID: 9326322). The combination of a proband eligible for the PP4 code and a second apparently unrelated proband who meets the requirements for the PS4 code met PS4 at the supporting level (PS4_Supporting). The variant segregates with the phenotype through 8 affected meioses from 1 family and through 4 affected meioses from a second family (PP1_Strong; PMID: 21326217, PMID: 9326322). The splicing impact predictor SpliceAI gives the variant a score of 0.81, which is above the ClinGen X-linked IRD VCEP recommended threshold of ≥0.2 and predicts a damaging impact on splicing. Functional studies from patient fibroblast cells confirm that the variant triggers skipping of exon 10 in all transcripts (PMID: 25630948). While these in silico and experimental findings would normally be counted under the PP3 and PS3_Supporting codes, respectively, in combination, they have been counted as evidence of a loss-of-function effect (PMID: 37352859, PVS1). In summary, this variant meets the criteria to be classified as pathogenic for RPGR-related retinopathy based on the ACMG/AMP criteria applied, as specified by the ClinGen XLIRD VCEP: PVS1 (PP3+PS3_supporting), PS4_Supporting, PM2_Supporting, PP1_Strong, and PP4. (VCEP specifications version 1.0.0; date of approval 05/16/2025).

Blueprint Genetics
Classification: Pathogenic for RPGR-related disorders. Last evaluated: 2024-03-08. Review status: criteria provided, single submitter. Criteria: ACMG Guidelines, 2015. Collection method: clinical testing. Allele origin: germline. Affected: yes. Observed: 5 variant alleles. Not counted in ClinVar's aggregate classification.

Labcorp Genetics (formerly Invitae), Labcorp
Classification: Pathogenic for Primary ciliary dyskinesia. Last evaluated: 2024-03-01. Review status: criteria provided, single submitter. Criteria: Invitae Variant Classification Sherloc (09022015). Collection method: clinical testing. Allele origin: germline. Not counted in ClinVar's aggregate classification.
Comment: This sequence change falls in intron 10 of the RPGR gene. It does not directly change the encoded amino acid sequence of the RPGR protein. It affects a nucleotide within the consensus splice site. This variant is not present in population databases (gnomAD no frequency). This variant has been observed in individuals with retinitis pigmentosa (PMID: 9326322, 21326217). It has also been observed to segregate with disease in related individuals. This variant is also known as IVS10+3. ClinVar contains an entry for this variant (Variation ID: 98732). Variants that disrupt the consensus splice site are a relatively common cause of aberrant splicing (PMID: 17576681, 9536098). Algorithms developed to predict the effect of sequence changes on RNA splicing suggest that this variant may disrupt the consensus splice site. For these reasons, this variant has been classified as Pathogenic.

OMIM
Classification: Pathogenic for RETINITIS PIGMENTOSA 3. Last evaluated: 1997-09-01. Review status: no assertion criteria provided. Collection method: literature only. Allele origin: germline. Not counted in ClinVar's aggregate classification.

Retina International
No classification provided. Review status: no classification provided. Collection method: not provided. Allele origin: not provided. Not counted in ClinVar's aggregate classification.

Literature cited by the submitters: PubMed 9326322 (cited by Labcorp Genetics (formerly Invitae), Labcorp and OMIM); PubMed 21326217 (cited by Labcorp Genetics (formerly Invitae), Labcorp); PubMed 17576681 (cited by Labcorp Genetics (formerly Invitae), Labcorp); PubMed 9536098 (cited by Labcorp Genetics (formerly Invitae), Labcorp); PubMed 8673101 (cited by OMIM).